The following is an entry in ClinVar:

NM_001127222.2(CACNA1A):c.6126G>A (p.Thr2042=)

Gene: CACNA1A (calcium voltage-gated channel subunit alpha1 A; minus strand). Cytogenetic location: 19p13.13.
Variant type: single nucleotide variant.
Coding change: c.6126G>A on transcript NM_001127222.2 (MANE Select); coding-DNA position 6126, G replaced by A.
Protein change: p.Thr2042=; no amino-acid change (threonine 2042 retained).
Molecular consequence: synonymous variant.
Genome position (GRCh38, 1-based): chr19:13,212,447, C>T on the plus strand (G>A on the coding strand, the complement: CACNA1A is on the minus strand). VCF-style: chr19-13212447-C-T. GRCh37 (hg19) VCF-style: chr19-13323261-C-T.
Other names: p.Thr2043=; c.6144G>A, p.Thr2048= (NM_000068.4, NM_023035.3); c.6129G>A, p.Thr2043= (NM_001127221.2); c.6135G>A, p.Thr2045= (NM_001174080.2); c.6126G>A (NM_001127222.1).
Identifiers: ClinVar variation 382860 (VCV000382860.24), dbSNP rs7249722, ClinGen allele CA9239468.

ClinVar aggregate classification (germline): Benign. Review status: criteria provided, multiple submitters, no conflicts (2 of 4 stars). 9 submissions from 9 submitters: Benign (6). 3 of the submissions do not count toward it. Last evaluated 2026-02-03.

Conditions:
CACNA1A-related disorder. Also called: CACNA1A-related condition.
Inborn genetic diseases. Identifiers: MedGen C0950123, MeSH D030342.
Episodic ataxia type 2 (EA2). Also called: ATAXIA, EPISODIC, WITH NYSTAGMUS; ATAXIA, FAMILIAL PAROXYSMAL; CEREBELLAR ATAXIA, PAROXYSMAL, ACETAZOLAMIDE-RESPONSIVE; CEREBELLOPATHY, HEREDITARY PAROXYSMAL; EPISODIC ATAXIA, NYSTAGMUS-ASSOCIATED; ACETAZOLAMIDE-RESPONSIVE HEREDITARY PAROXYSMAL CEREBELLAR ATAXIA. Identifiers: Orphanet 97, MedGen C1720416, MONDO:0007163, OMIM 108500.
Developmental and epileptic encephalopathy, 42 (DEE42A). Also called: Epileptic encephalopathy, early infantile, 42; DEVELOPMENTAL AND EPILEPTIC ENCEPHALOPATHY 42A; EPILEPTIC ENCEPHALOPATHY, EARLY INFANTILE, 42A. Identifiers: MedGen C4310716, MONDO:0014917, OMIM 617106.

Allele frequency attached by ClinVar (database versions not stated): gnomAD exomes 0.00074 and 0.00190; ExAC 0.00306; gnomAD 0.00722 and 0.00766; TOPMed 0.00813; ESP Exome Variant Server 0.00824; 1000 Genomes Project 0.00958; 1000 Genomes Project 30x 0.01062.
gnomAD v4.1: 2,252 of 1,611,078 alleles (0.14%); highest among the groups gnomAD compares: African/African-American, 2.5%; 25 homozygotes.

Submissions (9):

Labcorp Genetics (formerly Invitae), Labcorp
Classification: Benign for Developmental and epileptic encephalopathy, 42; Episodic ataxia type 2. Last evaluated: 2026-02-03. Review status: criteria provided, single submitter. Criteria: Invitae Variant Classification Sherloc (09022015). Collection method: clinical testing. Allele origin: germline.

Athena Diagnostics
Classification: Benign. Last evaluated: 2025-10-28. Review status: criteria provided, single submitter. Criteria: Athena Diagnostics Criteria. Collection method: clinical testing. Allele origin: unknown.
Comment: The frequency of this variant in the general population is higher than would generally be expected for pathogenic variants in this gene. Computational tools yielded predictions that this variant is unlikely to have an effect on normal RNA splicing. This nucleotide position exhibits low evolutionary conservation.

Mayo Clinic Laboratories, Mayo Clinic
Classification: Benign. Last evaluated: 2023-06-09. Review status: criteria provided, single submitter. Criteria: ACMG Guidelines, 2015. Collection method: clinical testing. Allele origin: germline. Observed: 9 variant alleles.
Comment: BS1, BS2, BP4, BP7

GeneDx
Classification: Benign. Last evaluated: 2017-02-23. Review status: criteria provided, single submitter. Criteria: GeneDx Variant Classification (06012015). Collection method: clinical testing. Allele origin: germline. Affected: yes.
Comment: This variant is considered likely benign or benign based on one or more of the following criteria: it is a conservative change, it occurs at a poorly conserved position in the protein, it is predicted to be benign by multiple in silico algorithms, and/or has population frequency not consistent with disease.

Ambry Genetics
Classification: Benign for Inborn genetic diseases. Last evaluated: 2016-06-21. Review status: criteria provided, single submitter. Criteria: Ambry Variant Classification Scheme 2023. Collection method: clinical testing. Allele origin: germline.

Breakthrough Genomics
Classification: Benign. Review status: criteria provided, single submitter. Criteria: ACMG Guidelines, 2015. Collection method: not provided. Allele origin: germline. Inheritance: Autosomal dominant inheritance. Affected: yes.

PreventionGenetics, part of Exact Sciences
Classification: Benign for CACNA1A-related condition. Last evaluated: 2019-06-14. Review status: no assertion criteria provided. Collection method: clinical testing. Allele origin: germline. Not counted in ClinVar's aggregate classification.
Comment: This variant is classified as benign based on ACMG/AMP sequence variant interpretation guidelines (Richards et al. 2015 PMID: 25741868, with internal and published modifications).

Clinical Genetics DNA and cytogenetics Diagnostics Lab, Erasmus MC, Erasmus Medical Center
Classification: Benign. Review status: no assertion criteria provided. Collection method: clinical testing. Allele origin: germline. Affected: yes. Study: VKGL Data-share Consensus. Not counted in ClinVar's aggregate classification.

Genome Diagnostics Laboratory, University Medical Center Utrecht
Classification: Benign. Review status: no assertion criteria provided. Collection method: clinical testing. Allele origin: germline. Affected: yes. Study: VKGL Data-share Consensus. Not counted in ClinVar's aggregate classification.